The following is an entry in ClinVar:

NM_000352.6(ABCC8):c.3107G>A (p.Trp1036Ter)

Gene: ABCC8 (ATP binding cassette subfamily C member 8; minus strand). Cytogenetic location: 11p15.1.
Variant type: single nucleotide variant.
Coding change: c.3107G>A on transcript NM_000352.6 (MANE Select); coding-DNA position 3107, G replaced by A.
Protein change: p.Trp1036Ter; replaces tryptophan 1036 with a stop codon.
Molecular consequence: nonsense. On other transcripts: non-coding transcript variant (1).
Genome position (GRCh38, 1-based): chr11:17,406,943, C>T on the plus strand (G>A on the coding strand, the complement: ABCC8 is on the minus strand). VCF-style: chr11-17406943-C-T. GRCh37 (hg19) VCF-style: chr11-17428490-C-T.
Other names: NM_000352.6(ABCC8):c.3107G>A; p.Trp1036Ter; c.3110G>A, p.Trp1037Ter (NM_001287174.3); c.3173G>A, p.Trp1058Ter (NM_001351295.2); c.3107G>A, p.Trp1036Ter (NM_001351296.2); c.3104G>A, p.Trp1035Ter (NM_001351297.2); short protein forms W1036*, W1037*, W1035*, W1058*.
Identifiers: ClinVar variation 585343 (VCV000585343.18), dbSNP rs755259997, ClinGen allele CA5902922.

ClinVar aggregate classification (germline): Pathogenic/Likely pathogenic. Review status: criteria provided, multiple submitters, no conflicts (2 of 4 stars). 9 submissions from 8 submitters: Pathogenic (5); Likely pathogenic (2). 2 of the submissions do not count toward it. Last evaluated 2026-07-29.

Conditions:
Hereditary hyperinsulinism.
Hyperinsulinemic hypoglycemia, familial, 1 (HHF1). Also called: Persistent hyperinsulinemic hypoglycemia of infancy; HYPERINSULINISM, FAMILIAL, WITH PANCREATIC NESIDIOBLASTOSIS; HYPOGLYCEMIA, HYPERINSULINEMIC, OF INFANCY; NESIDIOBLASTOSIS OF PANCREAS; Persistent Hyperinsulinemia Hypoglycemia of Infancy. Identifiers: Orphanet 276575, Orphanet 276598, MedGen C2931832, MONDO:0009734, OMIM 256450.
Type 2 diabetes mellitus. Also called: Type II diabetes mellitus. Identifiers: MedGen C0011860, MeSH D003924, MONDO:0005148, OMIM 125853, HP:0005978.
Maturity-onset diabetes of the young (MODY). Also called: Maturity onset diabetes mellitus in young. Identifiers: Orphanet 552, MedGen C0342276, MONDO:0018911, HP:0004904.
Neonatal diabetes mellitus (NDM). Identifiers: Orphanet 224, MedGen C0158981, MONDO:0016391.

Allele frequency attached by ClinVar (database versions not stated): gnomAD below 0.00001 and 0.00001; gnomAD exomes below 0.00001 and 0.00001; TOPMed below 0.00001; ExAC 0.00001.
gnomAD v4.1: 9 of 1,614,042 alleles (0.00056%); highest among the groups gnomAD compares: South Asian, 0.0011%; no homozygotes.

Submissions (9):

GeneDx
Classification: Likely pathogenic. Last evaluated: 2026-07-29. Review status: criteria provided, single submitter. Criteria: GeneDx Variant Classification Process June 2021. Collection method: clinical testing. Allele origin: germline.
Comment: Reported in association with congenital hyperinsulinism; however, detailed clinical and segregation information was not provided (PMID: 23275527); Nonsense variant predicted to result in protein truncation or nonsense mediated decay in a gene for which loss of function is a known mechanism of disease; Not observed at significant frequency in large population cohorts (gnomAD); This variant is associated with the following publications: (PMID: 36208030, 23275527)

Natera, Inc.
Classification: Likely pathogenic for Hereditary hyperinsulinism. Last evaluated: 2024-08-10. Review status: criteria provided, single submitter. Criteria: Natera Variant Classification Schema (03/2026). Collection method: clinical testing. Allele origin: germline.
Comment: The c.3107G>A variant in ABCC8 is a nonsense variant predicted to introduce a stop codon at amino acid 1036. This variant is expected to result in nonsense mediated decay, truncation, or a dysfunctional protein product. This variant is rare in the general population with a frequency below the threshold expected for the associated phenotype(s). Given the available evidence, this variant is classified as Likely Pathogenic.

Baylor Genetics
Classification: Pathogenic for Type 2 diabetes mellitus. Last evaluated: 2024-03-26. Review status: criteria provided, single submitter. Criteria: ACMG Guidelines, 2015. Collection method: clinical testing. Allele origin: unknown.

Broad Center for Mendelian Genomics, Broad Institute of MIT and Harvard
Classification: Pathogenic for Hyperinsulinemic hypoglycemia, familial, 1. Last evaluated: 2023-08-16. Review status: criteria provided, single submitter. Criteria: ACMG Guidelines, 2015. Collection method: curation. Allele origin: germline. Inheritance: Autosomal recessive inheritance.
Comment: The p.Trp1036Ter variant in ABCC8 has been reported in 4 individuals with hyperinsulinemic hypoglycemia (PMID: 23275527), and has been identified in 0.0009% (1/113312) of European (non-Finnish) chromosomes by the Genome Aggregation Database (gnomAD; dbSNP ID: rs755259997). Although this variant has been seen in the general population in a heterozygous state, its frequency is low enough to be consistent with a recessive carrier frequency. This variant has also been reported in ClinVar (Variation ID: 585343) and has been interpreted as Pathogenic by Athena Diagnostics Inc, Invitae, and Women's Health and Genetics/Laboratory Corporation of America, LabCorp. Of the 4 affected individuals, all were compound heterozygotes that carried a reported pathogenic variants in trans, which increases the likelihood that the p.Trp1036Ter variant is pathogenic (PMID: 23275527). This nonsense variant leads to a premature termination codon at position 1036, which is predicted to lead to a truncated or absent protein. Loss of function of the ABCC8 gene is an established disease mechanism in autosomal recessive hyperinsulinemic hypoglycemia. In summary, this variant meets criteria to be classified as pathogenic for autosomal recessive hyperinsulinemic hypoglycemia. ACMG/AMP Criteria applied: PVS1, PM3_very-strong, PM2_supporting (Richards 2015).

Labcorp Genetics (formerly Invitae), Labcorp
Classification: Pathogenic. Last evaluated: 2023-05-08. Review status: criteria provided, single submitter. Criteria: Invitae Variant Classification Sherloc (09022015). Collection method: clinical testing. Allele origin: germline.
Comment: ClinVar contains an entry for this variant (Variation ID: 585343). This sequence change creates a premature translational stop signal (p.Trp1036*) in the ABCC8 gene. It is expected to result in an absent or disrupted protein product. Loss-of-function variants in ABCC8 are known to be pathogenic (PMID: 20685672, 23345197). This variant is present in population databases (rs755259997, gnomAD 0.0009%). This premature translational stop signal has been observed in individual(s) with congenital hyperinsulinism (PMID: 23275527). This variant is also known as p.Trp1037*. For these reasons, this variant has been classified as Pathogenic.

Women's Health and Genetics/Laboratory Corporation of America, LabCorp
Classification: Pathogenic for Hyperinsulinemic hypoglycemia, familial, 1. Last evaluated: 2020-02-02. Review status: criteria provided, single submitter. Criteria: LabCorp Variant Classification Summary - May 2015. Collection method: clinical testing. Allele origin: germline.
Comment: Variant summary: ABCC8 c.3107G>A (p.Trp1036X) results in a premature termination codon, predicted to cause a truncation of the encoded protein or absence of the protein due to nonsense mediated decay, which are commonly known mechanisms for disease. Truncations downstream of this position have been classified as pathogenic by our laboratory. The variant allele was found at a frequency of 4e-06 in 250932 control chromosomes. c.3107G>A has been reported in the literature in individuals affected with Congenital Hyperinsulinism who displayed a focal histology although the exact parent of origin or zygosity was not specified (Snider_2013). These data indicate that the variant is likely to be associated with disease. To our knowledge, no experimental evidence demonstrating an impact on protein function has been reported. One clinical diagnostic laboratory has submitted clinical-significance assessments for this variant to ClinVar after 2014 without evidence for independent evaluation and classified the variant as pathogenic citing an overlapping evidence utilized in the context of this evaluation. Based on the evidence outlined above, the variant was classified as pathogenic.

Athena Diagnostics
Classification: Pathogenic. Last evaluated: 2018-08-14. Review status: criteria provided, single submitter. Criteria: Athena Diagnostics Criteria. Collection method: clinical testing. Allele origin: germline.

Clinical Genomics, Uppaluri K&H Personalized Medicine Clinic
Classification: Uncertain risk allele for Maturity-onset diabetes of the young. Last evaluated: 2024-05-27. Review status: flagged submission. Criteria: K And H Uppaluri Personalized Medicine Clinic Variant Classification And Assertion Criteria Updated V 2. Collection method: research. Allele origin: unknown. Not counted in ClinVar's aggregate classification.
Comment: This variant is found to be a potent moderate impact variant with a CADD score of 40 and sufficient scientific evidence to support gene-disease correlation. However, since this is not a high impact variant and has no variant evidence, this variant is reclassified as Uncertain Risk Allele
ClinVar note: Reason: Outlier claim with insufficient supporting evidence

Clinical Genomics, Uppaluri K&H Personalized Medicine Clinic
Classification: Uncertain risk allele for Neonatal diabetes mellitus. Last evaluated: 2024-05-27. Review status: flagged submission. Criteria: K And H Uppaluri Personalized Medicine Clinic Variant Classification And Assertion Criteria Updated V 2. Collection method: research. Allele origin: unknown. Not counted in ClinVar's aggregate classification.
Comment: This variant is found to be a potent moderate impact, variant with a CADD score of 40 and sufficient scientific evidence of gene-disease correlation. However, since this is not a high impact variant and no variant evidence, this variant is reclassified as Uncertain risk allele.
ClinVar note: Reason: Outlier claim with insufficient supporting evidence

Literature cited by the submitters: PubMed 20685672 (cited by Labcorp Genetics (formerly Invitae), Labcorp); PubMed 23345197 (cited by Labcorp Genetics (formerly Invitae), Labcorp); PubMed 23275527 (cited by 3 submitters); PubMed 31216263 (cited by Clinical Genomics, Uppaluri K&H Personalized Medicine Clinic); PubMed 38095268 (cited by Clinical Genomics, Uppaluri K&H Personalized Medicine Clinic); PubMed 38513803 (cited by Clinical Genomics, Uppaluri K&H Personalized Medicine Clinic); PubMed 32376986 (cited by Clinical Genomics, Uppaluri K&H Personalized Medicine Clinic); PubMed 20922570 (cited by Clinical Genomics, Uppaluri K&H Personalized Medicine Clinic); PubMed 17389331 (cited by Clinical Genomics, Uppaluri K&H Personalized Medicine Clinic); PubMed 17919176 (cited by Clinical Genomics, Uppaluri K&H Personalized Medicine Clinic); PubMed 21738553 (cited by Clinical Genomics, Uppaluri K&H Personalized Medicine Clinic); PubMed 33013711 (cited by Clinical Genomics, Uppaluri K&H Personalized Medicine Clinic).